The following is an entry in ClinVar:

NM_001385641.1(SAMD11):c.1031A>C (p.Lys344Thr)

Gene: SAMD11 (sterile alpha motif domain containing 11; plus strand). Cytogenetic location: 1p36.33.
Variant type: single nucleotide variant.
Coding change: c.1031A>C on transcript NM_001385641.1 (MANE Select); coding-DNA position 1031, A replaced by C.
Protein change: p.Lys344Thr; replaces lysine 344 with threonine.
Molecular consequence: missense variant.
Genome position (GRCh38, 1-based): chr1:939,103, A>C. VCF-style: chr1-939103-A-C. GRCh37 (hg19) VCF-style: chr1-874483-A-C.
Other names: c.1031A>C, p.Lys344Thr (NM_001385640.1); c.494A>C, p.Lys165Thr (NM_152486.4); short protein forms K165T, K344T.
Identifiers: ClinVar variation 968364 (VCV000968364.8), dbSNP rs369803898, ClinGen allele CA502646.

ClinVar aggregate classification (germline): Uncertain significance. Review status: criteria provided, multiple submitters, no conflicts (2 of 4 stars). 2 submissions from 2 submitters: Uncertain significance (2). Last evaluated 2024-12-03.

Allele frequency attached by ClinVar (database versions not stated): gnomAD exomes 0.00001 and 0.00003; TOPMed 0.00007; ExAC 0.00009; gnomAD 0.00009; ESP Exome Variant Server 0.00023.
gnomAD v4.1: 22 of 1,602,956 alleles (0.0014%); highest among the groups gnomAD compares: African/African-American, 0.025%; no homozygotes.

Submissions (2):

Ambry Genetics
Classification: Uncertain significance. Last evaluated: 2024-12-03. Review status: criteria provided, single submitter. Criteria: Ambry Variant Classification Scheme 2023. Collection method: clinical testing. Allele origin: germline.

Labcorp Genetics (formerly Invitae), Labcorp
Classification: Uncertain significance. Last evaluated: 2022-06-28. Review status: criteria provided, single submitter. Criteria: Invitae Variant Classification Sherloc (09022015). Collection method: clinical testing. Allele origin: germline.
Comment: This sequence change replaces lysine, which is basic and polar, with threonine, which is neutral and polar, at codon 165 of the SAMD11 protein (p.Lys165Thr). This variant is present in population databases (rs369803898, gnomAD 0.03%). This variant has not been reported in the literature in individuals affected with SAMD11-related conditions. ClinVar contains an entry for this variant (Variation ID: 968364). Algorithms developed to predict the effect of missense changes on protein structure and function are either unavailable or do not agree on the potential impact of this missense change (SIFT: "Deleterious"; PolyPhen-2: "Probably Damaging"; Align-GVGD: "Class C0"). In summary, the available evidence is currently insufficient to determine the role of this variant in disease. Therefore, it has been classified as a Variant of Uncertain Significance.